The following is an entry in ClinVar:

ClinVar aggregate classification (germline): Pathogenic (1 of 4 stars; one submission).

Submission:

Labcorp Genetics (formerly Invitae), Labcorp
Classification: Pathogenic. Last evaluated: 2023-06-23. Review status: criteria provided, single submitter. Criteria: Invitae Variant Classification Sherloc (09022015). Collection method: clinical testing. Allele origin: germline.
Comment: This sequence change creates a premature translational stop signal (p.Glu602*) in the TTC37 gene. It is expected to result in an absent or disrupted protein product. Loss-of-function variants in TTC37 are known to be pathogenic (PMID: 20176027, 21120949). This variant is not present in population databases (gnomAD no frequency). This variant has not been reported in the literature in individuals affected with TTC37-related conditions. For these reasons, this variant has been classified as Pathogenic.

Literature cited by the submitters: PubMed 20176027; PubMed 21120949.

NM_014639.4(SKIC3):c.1804G>T (p.Glu602Ter)

Gene: SKIC3 (SKI3 subunit of superkiller complex; minus strand). Cytogenetic location: 5q15.
Variant type: single nucleotide variant.
Coding change: c.1804G>T on transcript NM_014639.4 (MANE Select); coding-DNA position 1804, G replaced by T.
Protein change: p.Glu602Ter; replaces glutamic acid 602 with a stop codon.
Molecular consequence: nonsense.
Genome position (GRCh38, 1-based): chr5:95,522,261, C>A on the plus strand (G>T on the coding strand, the complement: SKIC3 is on the minus strand). VCF-style: chr5-95522261-C-A. GRCh37 (hg19) VCF-style: chr5-94857965-C-A.
Other names: short protein forms E602*.
Identifiers: ClinVar variation 2725413 (VCV002725413.3), dbSNP rs1747474847, ClinGen allele CA360463443.